The following is an entry in ClinVar:

ClinVar aggregate classification (germline): Benign (0 of 4 stars; one submission).

Conditions:
KCNQ1-related disorder. Also called: KCNQ1-related condition; KCNQ1-related disorders. Identifiers: MedGen CN239322.

Allele frequency attached by ClinVar (database versions not stated): gnomAD exomes 0.01287; gnomAD 0.07606; 1000 Genomes Project 0.52336.
gnomAD v4.1: 13,072 of 365,978 alleles (3.6%); highest among the groups gnomAD compares: African/African-American, 18%; 1,306 homozygotes.

Submission:

PreventionGenetics, part of Exact Sciences
Classification: Benign for KCNQ1-related condition. Last evaluated: 2019-08-27. Review status: no assertion criteria provided. Collection method: clinical testing. Allele origin: germline.
Comment: This variant is classified as benign based on ACMG/AMP sequence variant interpretation guidelines (Richards et al. 2015 PMID: 25741868, with internal and published modifications).

NM_000218.3(KCNQ1):c.1514+37562C>G

Genes: KCNQ1 (potassium voltage-gated channel subfamily Q member 1; plus strand), KCNQ1OT1 (KCNQ1 opposite strand/antisense transcript 1; minus strand). Cytogenetic location: 11p15.5.
Variant type: single nucleotide variant.
Coding change: c.1514+37562C>G on transcript NM_000218.3 (MANE Select); 37562 bases into the intron after coding-DNA position 1514, C replaced by G.
Molecular consequence: intron variant. On other transcripts: non-coding transcript variant (1).
Genome position (GRCh38, 1-based): chr11:2,699,643, C>G. VCF-style: chr11-2699643-C-G. GRCh37 (hg19) VCF-style: chr11-2720873-C-G.
Other names: c.1244+37562C>G (NM_001406837.1); c.1418+37562C>G (NM_001406836.1); c.974+37562C>G (NM_001406838.1); c.1133+37562C>G (NM_181798.2).
Identifiers: ClinVar variation 3056320 (VCV003056320.2), dbSNP rs80269905, ClinGen allele CA13406531.